The following is an entry in ClinVar:

NM_002485.5(NBN):c.183del (p.Asp61fs)

Gene: NBN (nibrin; minus strand). Cytogenetic location: 8q21.3.
Variant type: Deletion.
Coding change: c.183del on transcript NM_002485.5 (MANE Select); coding-DNA position 183, one base deleted (T; older notation c.183delT).
Protein change: p.Asp61fs; shifts the reading frame from aspartic acid 61.
Molecular consequence: frameshift variant. On other transcripts: 5 prime UTR variant (1).
Genome position (GRCh38, 1-based): chr8:89,981,512, A deleted on the plus strand (T on the coding strand, the reverse complement: NBN is on the minus strand). VCF-style (leftmost placement, unchanged base first): chr8-89981511-CA-C. GRCh37 (hg19) VCF-style: chr8-90993739-CA-C.
Other names: c.183delT (NM_002485.4); c.-64del (NM_001024688.3); short protein forms D61fs.
Identifiers: ClinVar variation 141966 (VCV000141966.10), dbSNP rs587782147, ClinGen allele CA166956.

ClinVar aggregate classification (germline): Pathogenic. Review status: criteria provided, multiple submitters, no conflicts (2 of 4 stars). 2 submissions from 2 submitters: Pathogenic (2). Last evaluated 2023-04-26.

Conditions:
Hereditary cancer-predisposing syndrome. Also called: Neoplastic Syndromes, Hereditary; Hereditary Cancer Syndrome; Hereditary neoplastic syndrome; Tumor predisposition. Identifiers: Orphanet 140162, MedGen C0027672, MeSH D009386, MONDO:0015356.
Microcephaly, normal intelligence and immunodeficiency (NBS). Also called: Immunodeficiency, microcephaly with normal intelligence; SEEMANOVA SYNDROME II; Nijmegen breakage syndrome; Microcephaly with normal intelligence immunodeficiency and lymphoreticular malignancies; Nonsyndromal microcephaly autosomal recessive with normal intelligence; Seemanova syndrome 2. Identifiers: Orphanet 647, MedGen C0398791, MONDO:0009623, OMIM 251260.

Submissions (2):

Ambry Genetics
Classification: Pathogenic for Hereditary cancer-predisposing syndrome. Last evaluated: 2023-04-26. Review status: criteria provided, single submitter. Criteria: Ambry Variant Classification Scheme 2023. Collection method: clinical testing. Allele origin: germline.
Comment: The c.183delT pathogenic mutation, located in coding exon 3 of the NBN gene, results from a deletion of one nucleotide at position 183, causing a translational frameshift with a predicted alternate stop codon (p.D61Efs*6). This pathogenic mutation was identified in a proband who underwent hereditary cancer multigene panel testing (LaDuca H et al. PLoS ONE, 2017 Feb;12:e0170843). In addition to the clinical data presented in the literature, this alteration is expected to result in loss of function by premature protein truncation or nonsense-mediated mRNA decay. As such, this alteration is interpreted as a disease-causing mutation.

Labcorp Genetics (formerly Invitae), Labcorp
Classification: Pathogenic for Microcephaly, normal intelligence and immunodeficiency. Last evaluated: 2021-12-17. Review status: criteria provided, single submitter. Criteria: Invitae Variant Classification Sherloc (09022015). Collection method: clinical testing. Allele origin: germline.
Comment: For these reasons, this variant has been classified as Pathogenic. ClinVar contains an entry for this variant (Variation ID: 141966). This variant has not been reported in the literature in individuals affected with NBN-related conditions. This variant is not present in population databases (gnomAD no frequency). This sequence change creates a premature translational stop signal (p.Asp61Glufs*6) in the NBN gene. It is expected to result in an absent or disrupted protein product. Loss-of-function variants in NBN are known to be pathogenic (PMID: 9590180, 16415040).

Literature cited by the submitters: PubMed 28152038 (cited by Ambry Genetics); PubMed 9590180 (cited by Labcorp Genetics (formerly Invitae), Labcorp); PubMed 16415040 (cited by Labcorp Genetics (formerly Invitae), Labcorp).